The following is an entry in ClinVar:

NM_001182.5(ALDH7A1):c.*1112T>G

Genes: ALDH7A1 (aldehyde dehydrogenase 7 family member A1; minus strand), LOC112997555 (Sharpr-MPRA regulatory region 10286; plus strand). Cytogenetic location: 5q23.2.
Variant type: single nucleotide variant.
Coding change: c.*1112T>G on transcript NM_001182.5 (MANE Select); 1112 bases downstream of the stop codon, T replaced by G.
Molecular consequence: 3 prime UTR variant.
Genome position (GRCh38, 1-based): chr5:126,543,853, A>C on the plus strand (T>G on the coding strand, the complement: ALDH7A1 is on the minus strand). VCF-style: chr5-126543853-A-C. GRCh37 (hg19) VCF-style: chr5-125879545-A-C.
Other names: c.*1112T>G (NM_001201377.2, NM_001202404.2).
Identifiers: ClinVar variation 350559 (VCV000350559.5), dbSNP rs80345302, ClinGen allele CA10618864.

ClinVar aggregate classification (germline): Benign (1 of 4 stars; one submission).

Conditions:
Pyridoxine-dependent epilepsy (EPEO4). Also called: Pyridoxine-Dependent Epilepsy - ALDH7A1; PYRIDOXINE DEPENDENCY WITH SEIZURES; EPILEPSY, EARLY-ONSET, 4, VITAMIN B6-DEPENDENT; Pyridoxine-Dependent Seizures. Identifiers: Orphanet 3006, MedGen C1849508, MONDO:0009945, OMIM 266100. Disease mechanism: loss of function.

Allele frequency attached by ClinVar (database versions not stated): gnomAD 0.01153 and 0.01252; TOPMed 0.01368; 1000 Genomes Project 30x 0.01374; 1000 Genomes Project 0.01198.

Submission:

Illumina Laboratory Services, Illumina
Classification: Benign for Pyridoxine-dependent epilepsy. Last evaluated: 2018-01-12. Review status: criteria provided, single submitter. Criteria: ICSL Variant Classification Criteria 13 December 2019. Collection method: clinical testing. Allele origin: germline.
Comment: This variant was observed in the ICSL laboratory as part of a predisposition screen in an ostensibly healthy population. It had not been previously curated by ICSL or reported in the Human Gene Mutation Database (HGMD: prior to June 1st, 2018), and was therefore a candidate for classification through an automated scoring system. Utilizing variant allele frequency, disease prevalence and penetrance estimates, and inheritance mode, an automated score was calculated to assess if this variant is too frequent to cause the disease. Based on the score and internal cut-off values, a variant classified as benign is not then subjected to further curation. The score for this variant resulted in a classification of benign for this disease.